The following is an entry in ClinVar:

NM_005228.5(EGFR):c.2447A>G (p.Asn816Ser)

Genes: EGFR (epidermal growth factor receptor; plus strand), EGFR-AS1 (EGFR antisense RNA 1; minus strand). Cytogenetic location: 7p11.2.
Variant type: single nucleotide variant.
Coding change: c.2447A>G on transcript NM_005228.5 (MANE Select); coding-DNA position 2447, A replaced by G.
Protein change: p.Asn816Ser; replaces asparagine 816 with serine.
Molecular consequence: missense variant. On other transcripts: non-coding transcript variant (1).
Genome position (GRCh38, 1-based): chr7:55,181,456, A>G. VCF-style: chr7-55181456-A-G. GRCh37 (hg19) VCF-style: chr7-55249149-A-G.
Other names: c.2312A>G, p.Asn771Ser (NM_001346897.2, NM_001346899.2); c.2447A>G, p.Asn816Ser (NM_001346898.2); c.2288A>G, p.Asn763Ser (NM_001346900.2); c.1646A>G, p.Asn549Ser (NM_001346941.2); short protein forms N763S, N816S, N549S, N771S.
Identifiers: ClinVar variation 2761670 (VCV002761670.3), dbSNP rs2128958843, ClinGen allele CA367579023.
Genomic context (GRCh38, chr7:55,181,456, plus strand): 5'-GCTGCCTCCTGGACTATGTCCGGGAACACAAAGACAATATTGGCTCCCAGTACCTGCTCA[A>G]CTGGTGTGTGCAGATCGCAAAGGTAATCAGGGAAGGGAGATACGGGGAGGGGAGATAAGG-3'
Protein context (NP_005219.2, residues 806-826): KDNIGSQYLL[Asn816Ser]WCVQIAKGMN

ClinVar aggregate classification (germline): Uncertain significance (1 of 4 stars; one submission).

Conditions:
EGFR-related lung cancer (EGFR). Identifiers: MedGen CN130014.

Submission:

Labcorp Genetics (formerly Invitae), Labcorp
Classification: Uncertain significance for EGFR-related lung cancer. Last evaluated: 2025-04-13. Review status: criteria provided, single submitter. Criteria: Invitae Variant Classification Sherloc (09022015). Collection method: clinical testing. Allele origin: germline.
Comment: This sequence change replaces asparagine, which is neutral and polar, with serine, which is neutral and polar, at codon 816 of the EGFR protein (p.Asn816Ser). This variant is not present in population databases (gnomAD no frequency). This variant has not been reported in the literature in individuals affected with EGFR-related conditions. ClinVar contains an entry for this variant (Variation ID: 2761670). An algorithm developed to predict the effect of missense changes on protein structure and function outputs the following: PolyPhen-2: "Probably Damaging". The serine amino acid residue is found in multiple mammalian species, which suggests that this missense change does not adversely affect protein function. In summary, the available evidence is currently insufficient to determine the role of this variant in disease. Therefore, it has been classified as a Variant of Uncertain Significance.